The following is an entry in ClinVar:

ClinVar aggregate classification (germline): Pathogenic (1 of 4 stars; one submission).

Conditions:
Congenital sideroblastic anemia-B-cell immunodeficiency-periodic fever-developmental delay syndrome. Also called: Sideroblastic anemia with B-cell immunodeficiency, periodic fevers, and developmental delay. Identifiers: Orphanet 369861, MedGen C4015172, MONDO:0014487, OMIM 616084.

Submission:

Labcorp Genetics (formerly Invitae), Labcorp
Classification: Pathogenic for Congenital sideroblastic anemia-B-cell immunodeficiency-periodic fever-developmental delay syndrome. Last evaluated: 2024-01-26. Review status: criteria provided, single submitter. Criteria: Invitae Variant Classification Sherloc (09022015). Collection method: clinical testing. Allele origin: germline.
Comment: This sequence change creates a premature translational stop signal (p.Leu51Lysfs*6) in the TRNT1 gene. It is expected to result in an absent or disrupted protein product. Loss-of-function variants in TRNT1 are known to be pathogenic (PMID: 25193871). This variant is not present in population databases (gnomAD no frequency). This variant has not been reported in the literature in individuals affected with TRNT1-related conditions. For these reasons, this variant has been classified as Pathogenic.

Literature cited by the submitters: PubMed 25193871.

NM_182916.3(TRNT1):c.151_160del (p.Leu51fs)

Gene: TRNT1 (tRNA nucleotidyl transferase 1; plus strand). Cytogenetic location: 3p26.2.
Variant type: Deletion.
Coding change: c.151_160del on transcript NM_182916.3 (MANE Select); coding-DNA positions 151 to 160, 10 bases deleted (TTATTTGTCA; older notation c.151_160delTTATTTGTCA).
Protein change: p.Leu51fs; shifts the reading frame from leucine 51.
Molecular consequence: frameshift variant. On other transcripts: non-coding transcript variant (8).
Genome position (GRCh38, 1-based): chr3:3,137,262-3,137,271, TTATTTGTCA deleted; deleting any 10 consecutive bases within chr3:3,137,261-3,137,271 gives the same sequence; the c. name uses the placement nearest the transcript's 3' end. VCF-style (leftmost placement, unchanged base first): chr3-3137260-AATTATTTGTC-A. GRCh37 (hg19) VCF-style: chr3-3178944-AATTATTTGTC-A.
Other names: c.151_160del, p.Leu51fs (NM_001302946.2, NM_001367321.1, NM_001367322.1 and 1 more transcripts); short protein forms L51fs.
Identifiers: ClinVar variation 2712436 (VCV002712436.3), dbSNP rs2471280331, ClinGen allele CA2697550672.